The following is an entry in ClinVar:

NM_000098.3(CPT2):c.1963T>C (p.Ser655Pro)

Gene: CPT2 (carnitine palmitoyltransferase 2; plus strand). Cytogenetic location: 1p32.3.
Variant type: single nucleotide variant.
Coding change: c.1963T>C on transcript NM_000098.3 (MANE Select); coding-DNA position 1963, T replaced by C.
Protein change: p.Ser655Pro; replaces serine 655 with proline.
Molecular consequence: missense variant.
Genome position (GRCh38, 1-based): chr1:53,213,581, T>C. VCF-style: chr1-53213581-T-C. GRCh37 (hg19) VCF-style: chr1-53679253-T-C.
Other names: c.1894T>C, p.Ser632Pro (NM_001330589.2); short protein forms S655P, S632P.
Identifiers: ClinVar variation 1992008 (VCV001992008.2), dbSNP rs138893547, ClinGen allele CA859325.
Genomic context (GRCh38, chr1:53,213,581, plus strand): 5'-GAGTTTCTCCAATGTGTGGAGAAGGCCTTAGAAGACATGTTTGATGCCTTAGAAGGCAAA[T>C]CCATCAAAAGTTAACTTCTGGGCAGATGAAAAGCTACCATCACTTCCTCATCATGAAAAC-3'
Protein context (NP_000089.1, residues 645-658): EDMFDALEGK[Ser655Pro]IKS

ClinVar aggregate classification (germline): Uncertain significance (1 of 4 stars; one submission).

Conditions:
Carnitine palmitoyltransferase II deficiency. Also called: Carnitine Palmitoyltransferase 2 Deficiency. Identifiers: Orphanet 157, MedGen C0342790, MONDO:0015515.

Allele frequency attached by ClinVar (database versions not stated): gnomAD exomes below 0.00001; gnomAD 0.00002; ExAC 0.00003; 1000 Genomes Project 30x 0.00047; 1000 Genomes Project 0.00060.
gnomAD v4.1: 7 of 1,613,526 alleles (0.00043%); highest among the groups gnomAD compares: African/African-American, 0.008%; no homozygotes.

Submission:

Labcorp Genetics (formerly Invitae), Labcorp
Classification: Uncertain significance for Carnitine palmitoyltransferase II deficiency. Last evaluated: 2024-04-08. Review status: criteria provided, single submitter. Criteria: Invitae Variant Classification Sherloc (09022015). Collection method: clinical testing. Allele origin: germline.
Comment: This sequence change replaces serine, which is neutral and polar, with proline, which is neutral and non-polar, at codon 655 of the CPT2 protein (p.Ser655Pro). This variant is present in population databases (rs138893547, gnomAD 0.02%). This variant has not been reported in the literature in individuals affected with CPT2-related conditions. ClinVar contains an entry for this variant (Variation ID: 1992008). Advanced modeling of protein sequence and biophysical properties (such as structural, functional, and spatial information, amino acid conservation, physicochemical variation, residue mobility, and thermodynamic stability) performed at Invitae indicates that this missense variant is not expected to disrupt CPT2 protein function with a negative predictive value of 95%. In summary, the available evidence is currently insufficient to determine the role of this variant in disease. Therefore, it has been classified as a Variant of Uncertain Significance.